The following is an entry in ClinVar:

ClinVar aggregate classification (germline): Uncertain significance (1 of 4 stars; one submission).

Conditions:
Arrhythmogenic right ventricular dysplasia 10. Also called: Arrhythmogenic right ventricular dysplasia/cardiomyopathy, type 10; Arrhythmogenic Right Ventricular Dysplasia/Cardiomyopathy10; ARRHYTHMOGENIC RIGHT VENTRICULAR DYSPLASIA, FAMILIAL, 10. Identifiers: MedGen C1857777, MONDO:0012434, OMIM 610193.

Submission:

Labcorp Genetics (formerly Invitae), Labcorp
Classification: Uncertain significance for Arrhythmogenic right ventricular dysplasia 10. Last evaluated: 2021-10-16. Review status: criteria provided, single submitter. Criteria: Invitae Variant Classification Sherloc (09022015). Collection method: clinical testing. Allele origin: germline.
Comment: This sequence change replaces lysine with asparagine at codon 92 of the DSG2 protein (p.Lys92Asn). The lysine residue is moderately conserved and there is a moderate physicochemical difference between lysine and asparagine. This variant is not present in population databases (ExAC no frequency). This variant has not been reported in the literature in individuals affected with DSG2-related conditions. Algorithms developed to predict the effect of missense changes on protein structure and function are either unavailable or do not agree on the potential impact of this missense change (SIFT: "Tolerated"; PolyPhen-2: "Possibly Damaging"; Align-GVGD: "Class C0"). In summary, the available evidence is currently insufficient to determine the role of this variant in disease. Therefore, it has been classified as a Variant of Uncertain Significance.

NM_001943.5(DSG2):c.276A>C (p.Lys92Asn)

Gene: DSG2 (desmoglein 2; plus strand). Cytogenetic location: 18q12.1.
Variant type: single nucleotide variant.
Coding change: c.276A>C on transcript NM_001943.5 (MANE Select); coding-DNA position 276, A replaced by C.
Protein change: p.Lys92Asn; replaces lysine 92 with asparagine.
Molecular consequence: missense variant.
Genome position (GRCh38, 1-based): chr18:31,520,862, A>C. VCF-style: chr18-31520862-A-C. GRCh37 (hg19) VCF-style: chr18-29100825-A-C.
Other names: short protein forms K92N.
Identifiers: ClinVar variation 1479629 (VCV001479629.3), dbSNP rs2144315629, ClinGen allele CA402131414.